The following is an entry in ClinVar:

NM_000388.4(CASR):c.3122G>A (p.Arg1041Gln)

Gene: CASR (calcium sensing receptor; plus strand). Cytogenetic location: 3q21.1.
Variant type: single nucleotide variant.
Coding change: c.3122G>A on transcript NM_000388.4 (MANE Select); coding-DNA position 3122, G replaced by A.
Protein change: p.Arg1041Gln; replaces arginine 1041 with glutamine.
Molecular consequence: missense variant.
Genome position (GRCh38, 1-based): chr3:122,285,076, G>A. VCF-style: chr3-122285076-G-A. GRCh37 (hg19) VCF-style: chr3-122003923-G-A.
Other names: c.3152G>A, p.Arg1051Gln (NM_001178065.2); short protein forms R1041Q, R1051Q.
Identifiers: ClinVar variation 568665 (VCV000568665.10), dbSNP rs761580803, ClinGen allele CA2569934.

ClinVar aggregate classification (germline): Uncertain significance (1 of 4 stars; one submission).

Conditions:
Familial hypocalciuric hypercalcemia (FHH). Also called: Familial benign hypercalcemia. Identifiers: Orphanet 405, MedGen C1809471, MONDO:0018458.
Autosomal dominant hypocalcemia 1 (HYPOC1). Also called: HYPOCALCEMIA, FAMILIAL. Identifiers: MedGen C3715128, MONDO:0011013, OMIM 601198.

Allele frequency attached by ClinVar (database versions not stated): ExAC 0.00001.

Submission:

Labcorp Genetics (formerly Invitae), Labcorp
Classification: Uncertain significance for Familial hypocalciuric hypercalcemia; Autosomal dominant hypocalcemia 1. Last evaluated: 2020-06-30. Review status: criteria provided, single submitter. Criteria: Invitae Variant Classification Sherloc (09022015). Collection method: clinical testing. Allele origin: germline.
Comment: The frequency data for this variant in the population databases is considered unreliable, as metrics indicate poor data quality at this position in the ExAC database. This sequence change replaces arginine with glutamine at codon 1041 of the CASR protein (p.Arg1041Gln). The arginine residue is moderately conserved and there is a small physicochemical difference between arginine and glutamine. In summary, the available evidence is currently insufficient to determine the role of this variant in disease. Therefore, it has been classified as a Variant of Uncertain Significance. Algorithms developed to predict the effect of missense changes on protein structure and function output the following: SIFT: "Tolerated"; PolyPhen-2: "Benign"; Align-GVGD: "Class C0". The glutamine amino acid residue is found in multiple mammalian species, suggesting that this missense change does not adversely affect protein function. These predictions have not been confirmed by published functional studies and their clinical significance is uncertain. This variant has not been reported in the literature in individuals with CASR-related disease.